The following is an entry in ClinVar:

ClinVar aggregate classification (germline): Conflicting classifications of pathogenicity. Review status: criteria provided, conflicting classifications (1 of 4 stars). 7 submissions from 7 submitters: Uncertain significance (5); Likely benign (2). Last evaluated 2026-02-18.

Conditions:
Inborn genetic diseases. Identifiers: MedGen C0950123, MeSH D030342.
Myopathy, lactic acidosis, and sideroblastic anemia 1 (MLASA1). Identifiers: Orphanet 2598, MedGen C4551958, MONDO:0024553, OMIM 600462.

Allele frequency attached by ClinVar (database versions not stated): gnomAD 0.00006 and 0.00008; TOPMed 0.00006; ESP Exome Variant Server 0.00008; gnomAD exomes 0.00008; ExAC 0.00012; 1000 Genomes Project 0.00020; 1000 Genomes Project 30x 0.00031.
gnomAD v4.1: 187 of 1,613,752 alleles (0.012%); highest among the groups gnomAD compares: Non-Finnish European, 0.015%; no homozygotes.

Submissions (7):

GeneDx
Classification: Uncertain significance. Last evaluated: 2026-02-18. Review status: criteria provided, single submitter. Criteria: GeneDx Variant Classification Process June 2021. Collection method: clinical testing. Allele origin: germline.
Comment: Not observed at significant frequency in large population cohorts (gnomAD); In silico analysis suggests that this missense variant does not alter protein structure/function; Observed in large aggregate dataset examining de novo variants in patients with various developmental disorders (PMID: 35982159); This variant is associated with the following publications: (PMID: 35982159)

Blueprint Genetics
Classification: Likely benign. Last evaluated: 2024-10-23. Review status: criteria provided, single submitter. Criteria: ACMG Guidelines, 2015. Collection method: clinical testing. Allele origin: germline.

Ambry Genetics
Classification: Likely benign for Inborn genetic diseases. Last evaluated: 2023-03-14. Review status: criteria provided, single submitter. Criteria: Ambry Variant Classification Scheme 2023. Collection method: clinical testing. Allele origin: germline.

Labcorp Genetics (formerly Invitae), Labcorp
Classification: Uncertain significance. Last evaluated: 2022-06-22. Review status: criteria provided, single submitter. Criteria: Invitae Variant Classification Sherloc (09022015). Collection method: clinical testing. Allele origin: germline.
Comment: This sequence change replaces arginine, which is basic and polar, with glutamine, which is neutral and polar, at codon 122 of the PUS1 protein (p.Arg122Gln). This variant is present in population databases (rs199863621, gnomAD 0.01%). This variant has not been reported in the literature in individuals affected with PUS1-related conditions. ClinVar contains an entry for this variant (Variation ID: 882572). Algorithms developed to predict the effect of missense changes on protein structure and function output the following: SIFT: "Tolerated"; PolyPhen-2: "Benign"; Align-GVGD: "Class C0". The glutamine amino acid residue is found in multiple mammalian species, which suggests that this missense change does not adversely affect protein function. Algorithms developed to predict the effect of sequence changes on RNA splicing suggest that this variant may create or strengthen a splice site. In summary, the available evidence is currently insufficient to determine the role of this variant in disease. Therefore, it has been classified as a Variant of Uncertain Significance.

Fulgent Genetics
Classification: Uncertain significance for Myopathy, lactic acidosis, and sideroblastic anemia 1. Last evaluated: 2022-03-02. Review status: criteria provided, single submitter. Criteria: ACMG Guidelines, 2015. Collection method: clinical testing. Allele origin: unknown.

Department of Pathology and Laboratory Medicine, Sinai Health System
Classification: Uncertain significance for Myopathy, lactic acidosis, and sideroblastic anemia 1. Last evaluated: 2021-10-06. Review status: criteria provided, single submitter. Criteria: ACMG Guidelines, 2015. Collection method: research. Allele origin: germline.

Illumina Laboratory Services, Illumina
Classification: Uncertain significance for Myopathy, lactic acidosis, and sideroblastic anemia 1. Last evaluated: 2018-01-13. Review status: criteria provided, single submitter. Criteria: ICSL Variant Classification Criteria 13 December 2019. Collection method: clinical testing. Allele origin: germline.

NM_025215.6(PUS1):c.365G>A (p.Arg122Gln)

Genes: PUS1 (pseudouridine synthase 1; plus strand), LOC132090059 (Neanderthal introgressed variant-containing enhancer experimental_25941; plus strand). Cytogenetic location: 12q24.33.
Variant type: single nucleotide variant.
Coding change: c.365G>A on transcript NM_025215.6 (MANE Select); coding-DNA position 365, G replaced by A.
Protein change: p.Arg122Gln; replaces arginine 122 with glutamine.
Molecular consequence: missense variant.
Genome position (GRCh38, 1-based): chr12:131,932,236, G>A. VCF-style: chr12-131932236-G-A. GRCh37 (hg19) VCF-style: chr12-132416781-G-A.
Other names: c.281G>A, p.Arg94Gln (NM_001002019.3, NM_001002020.3); short protein forms R94Q, R122Q.
Identifiers: ClinVar variation 882572 (VCV000882572.11), dbSNP rs199863621, ClinGen allele CA6884101.